The following is an entry in ClinVar:

NM_015272.5(RPGRIP1L):c.563C>T (p.Thr188Ile)

Gene: RPGRIP1L (RPGRIP1 like; minus strand). Cytogenetic location: 16q12.2.
Variant type: single nucleotide variant.
Coding change: c.563C>T on transcript NM_015272.5 (MANE Select); coding-DNA position 563, C replaced by T.
Protein change: p.Thr188Ile; replaces threonine 188 with isoleucine.
Molecular consequence: missense variant.
Genome position (GRCh38, 1-based): chr16:53,687,932, G>A on the plus strand (C>T on the coding strand, the complement: RPGRIP1L is on the minus strand). VCF-style: chr16-53687932-G-A. GRCh37 (hg19) VCF-style: chr16-53721844-G-A.
Other names: c.563C>T, p.Thr188Ile (NM_001127897.4, NM_001308334.3, NM_001330538.2); short protein forms T188I.
Identifiers: ClinVar variation 1899811 (VCV001899811.3), dbSNP rs2544660016, ClinGen allele CA395924518.

ClinVar aggregate classification (germline): Uncertain significance (1 of 4 stars; one submission).

Conditions:
Meckel-Gruber syndrome. Also called: DYSENCEPHALIA SPLANCHNOCYSTICA; GRUBER SYNDROME; Dysencephalia splachnocystica. Identifiers: Orphanet 564, MedGen C0265215, MONDO:0018921.
Joubert syndrome. Also called: CEREBELLOPARENCHYMAL DISORDER IV; JOUBERT-BOLTSHAUSER SYNDROME; Familial aplasia of the vermis. Identifiers: Orphanet 475, MedGen C5979921, MONDO:0018772.

Allele frequency attached by ClinVar (database versions not stated): gnomAD exomes 0.00001.
gnomAD v4.1: 8 of 1,610,430 alleles (0.0005%); highest among the groups gnomAD compares: Admixed American, 0.0017%; no homozygotes.

Submission:

Labcorp Genetics (formerly Invitae), Labcorp
Classification: Uncertain significance for Joubert syndrome; Meckel-Gruber syndrome. Last evaluated: 2025-01-27. Review status: criteria provided, single submitter. Criteria: Invitae Variant Classification Sherloc (09022015). Collection method: clinical testing. Allele origin: germline.
Comment: This sequence change replaces threonine, which is neutral and polar, with isoleucine, which is neutral and non-polar, at codon 188 of the RPGRIP1L protein (p.Thr188Ile). This variant is not present in population databases (gnomAD no frequency). This variant has not been reported in the literature in individuals affected with RPGRIP1L-related conditions. ClinVar contains an entry for this variant (Variation ID: 1899811). Invitae Evidence Modeling of protein sequence and biophysical properties (such as structural, functional, and spatial information, amino acid conservation, physicochemical variation, residue mobility, and thermodynamic stability) indicates that this missense variant is not expected to disrupt RPGRIP1L protein function with a negative predictive value of 80%. In summary, the available evidence is currently insufficient to determine the role of this variant in disease. Therefore, it has been classified as a Variant of Uncertain Significance.